The following is an entry in ClinVar:

ClinVar aggregate classification (germline): Uncertain significance (1 of 4 stars; one submission).

Conditions:
Polycystic kidney disease, adult type (PKD1). Also called: POLYCYSTIC KIDNEY DISEASE 1 WITH OR WITHOUT POLYCYSTIC LIVER DISEASE; Polycystic Kidney Disease 1, Autosomal Dominant; Polycystic kidney disease 1; Polycystic kidney disease 1, severe; Polycystic Kidney, Autosomal Dominant; POLYCYSTIC KIDNEY DISEASE, ADULT, TYPE I. Identifiers: MedGen C3149841, MONDO:0008263, OMIM 173900.

Submission:

Cavalleri Lab, Royal College of Surgeons in Ireland
Classification: Uncertain significance for Polycystic kidney disease, adult type. Last evaluated: 2020-02-05. Review status: criteria provided, single submitter. Criteria: ACMG Guidelines, 2015. Collection method: research. Allele origin: unknown. Inheritance: Autosomal dominant inheritance. Affected: yes.
Comment: PM2, PP3, PP4

NM_001009944.3(PKD1):c.9143T>G (p.Leu3048Arg)

Gene: PKD1 (polycystin 1, transient receptor potential channel interacting; minus strand). Cytogenetic location: 16p13.3.
Variant type: single nucleotide variant.
Coding change: c.9143T>G on transcript NM_001009944.3 (MANE Select); coding-DNA position 9143, T replaced by G.
Protein change: p.Leu3048Arg; replaces leucine 3048 with arginine.
Molecular consequence: missense variant.
Genome position (GRCh38, 1-based): chr16:2,102,439, A>C on the plus strand (T>G on the coding strand, the complement: PKD1 is on the minus strand). VCF-style: chr16-2102439-A-C. GRCh37 (hg19) VCF-style: chr16-2152440-A-C.
Other names: c.9143T>G, p.Leu3048Arg (NM_000296.4); short protein forms L3048R.
Identifiers: ClinVar variation 873376 (VCV000873376.1), dbSNP rs1596522098, ClinGen allele CA394358831.
Genomic context (GRCh38, chr16:2,102,439, plus strand): 5'-ACAGGAAACACAAAGCGGACATGGCTTGGGGGCACGAAGAGGCTGGCGCCGAAGGCGGTG[A>C]GGTGGCGGGTGAGGCAGACGGCCTGGCGGGGCGAGGTCTCCTCCAGGGGCAGCAGCCCCT-3'
Protein context (NP_001009944.3, residues 3038-3058): PRQAVCLTRH[Leu3048Arg]TAFGASLFVP